The following is an entry in ClinVar:

ClinVar aggregate classification (germline): Uncertain significance (1 of 4 stars; one submission).

Allele frequency attached by ClinVar (database versions not stated): gnomAD 0.00001; TOPMed 0.00001.
gnomAD v4.1: 7 of 1,613,784 alleles (0.00043%); highest among the groups gnomAD compares: Non-Finnish European, 0.00059%; no homozygotes.

Submission:

Labcorp Genetics (formerly Invitae), Labcorp
Classification: Uncertain significance. Last evaluated: 2021-11-09. Review status: criteria provided, single submitter. Criteria: Invitae Variant Classification Sherloc (09022015). Collection method: clinical testing. Allele origin: germline.
Comment: This sequence change replaces glutamic acid, which is acidic and polar, with lysine, which is basic and polar, at codon 3750 of the USH2A protein (p.Glu3750Lys). This variant is not present in population databases (gnomAD no frequency). This variant has not been reported in the literature in individuals affected with USH2A-related conditions. Algorithms developed to predict the effect of missense changes on protein structure and function are either unavailable or do not agree on the potential impact of this missense change (SIFT: "Deleterious"; PolyPhen-2: "Possibly Damaging"; Align-GVGD: "Class C0"). In summary, the available evidence is currently insufficient to determine the role of this variant in disease. Therefore, it has been classified as a Variant of Uncertain Significance.

NM_206933.4(USH2A):c.11248G>A (p.Glu3750Lys)

Gene: USH2A (usherin; minus strand). Cytogenetic location: 1q41.
Variant type: single nucleotide variant.
Coding change: c.11248G>A on transcript NM_206933.4 (MANE Select); coding-DNA position 11248, G replaced by A.
Protein change: p.Glu3750Lys; replaces glutamic acid 3750 with lysine.
Molecular consequence: missense variant.
Genome position (GRCh38, 1-based): chr1:215,758,736, C>T on the plus strand (G>A on the coding strand, the complement: USH2A is on the minus strand). VCF-style: chr1-215758736-C-T. GRCh37 (hg19) VCF-style: chr1-215932078-C-T.
Other names: short protein forms E3750K.
Identifiers: ClinVar variation 1472127 (VCV001472127.3), dbSNP rs999582580, ClinGen allele CA37425506.